The following is an entry in ClinVar:

ClinVar aggregate classification (germline): Benign. Review status: criteria provided, multiple submitters, no conflicts (2 of 4 stars). 2 submissions from 2 submitters: Benign (2). Last evaluated 2016-03-01.

Allele frequency attached by ClinVar (database versions not stated): 1000 Genomes Project 0.01907; 1000 Genomes Project 30x 0.01998; TOPMed 0.02607; gnomAD 0.02274.
gnomAD v4.1: 8,926 of 436,540 alleles (2%); highest among the groups gnomAD compares: Middle Eastern, 5.8%; 95 homozygotes.

Submissions (3):

GeneDx
Classification: Benign. Last evaluated: 2016-03-01. Review status: criteria provided, single submitter. Criteria: GeneDx Variant Classification (06012015). Collection method: clinical testing. Allele origin: germline. Affected: yes.
Comment: This variant is considered likely benign or benign based on one or more of the following criteria: it is a conservative change, it occurs at a poorly conserved position in the protein, it is predicted to be benign by multiple in silico algorithms, and/or has population frequency not consistent with disease.

Breakthrough Genomics
Classification: Benign. Review status: criteria provided, single submitter. Criteria: ACMG Guidelines, 2015. Collection method: not provided. Allele origin: germline. Inheritance: X-linked inheritance. Affected: yes.

Dr. Peter K. Rogan Lab, Western University
No classification provided (evidence only). Condition: Ovarian serous cystadenocarcinoma. Review status: no classification provided. Collection method: in vitro. Allele origin: not applicable. Functional consequence: retained intron. Not counted in ClinVar's aggregate classification.

NM_000166.6(GJB1):c.-17+116C>T

Gene: GJB1 (gap junction protein beta 1; plus strand). Cytogenetic location: Xq13.1.
Variant type: single nucleotide variant.
Coding change: c.-17+116C>T on transcript NM_000166.6 (MANE Select); 116 bases into the intron after 17 bases upstream of the start codon, C replaced by T.
Molecular consequence: intron variant.
Genome position (GRCh38, 1-based): chrX:71,223,451, C>T. VCF-style: chrX-71223451-C-T. GRCh37 (hg19) VCF-style: chrX-70443301-C-T.
Other names: NC_000023.10:g.70443301C>T; c.-16-241C>T (NM_001097642.3).
Identifiers: ClinVar variation 380814 (VCV000380814.3), dbSNP rs111853447, ClinGen allele CA16608579.